The following continues an entry in ClinVar:

NM_000402.4(G6PD):c.233T>C (p.Ile78Thr)

Gene: G6PD. ClinVar aggregate classification (germline): Pathogenic/Likely pathogenic. Pathogenic (15); Likely pathogenic (2).

Submissions 13 to 20 of 20:

Dunham Lab, University of Washington
Classification: Pathogenic for Anemia, nonspherocytic hemolytic, due to G6PD deficiency. Last evaluated: 2022-08-12. Review status: criteria provided, single submitter. Criteria: Bayesian ACMG Guidelines, 2018. Collection method: curation. Allele origin: unknown. Affected: yes.
Comment: Variant found in unrelated hemizygotes with deficiency, some with anemia and jaundice (PP4, PS4_M). Decreased activity in red blood cells (3-35%) (PS3). In silico analysis supports that this missense variant has a deleterious effect (PP3). Below expected carrier frequency in gnomAD (PM2). Reported as pathogenic by multiple clinical testing groups (PP5). Post_P 0.997 (odds of pathogenicity 3155, Prior_P 0.1).

Mendelics
Classification: Pathogenic for Anemia, nonspherocytic hemolytic, due to G6PD deficiency. Last evaluated: 2022-05-27. Review status: criteria provided, single submitter. Criteria: Mendelics Assertion Criteria 2017. Collection method: clinical testing. Allele origin: unknown.

Illumina Laboratory Services, Illumina
Classification: Pathogenic for G6PD deficiency. Last evaluated: 2021-06-16. Review status: criteria provided, single submitter. Criteria: ICSLVariantClassificationCriteria RUGD 01 April 2020. Collection method: clinical testing. Allele origin: unknown.
Comment: The G6PD c.233T>C (p.Ile78Thr) variant is a missense variant. Across a selection of the available literature, this variant, which is also known as the G6PD Aures variant, has been reported in 92 individuals with glucose-6-phosphate dehydrogenase deficiency, including in a hemizygous state in 66 males, in a homozygous state in 15 females, and in 11 cases of unspecified sex/zygosity (Nafa et al. 1993; AlFadhli et al. 2005; Al-Jaouni et al. 2011; Dallol et al. 2012; Benmansour et al. 2013; Sanephonasa et al. 2021). The p.Ile78Thr variant is reported at a frequency of 0.000144 in the East Asian population of the Genome Aggregation Database (version 2.1.1), but this frequency is based on only two alleles in a region of good sequencing coverage. Multiple in silico algorithms consistently predict a functional consequence of this variant, and carriers of this variant have been confirmed to have reduced G6PD enzyme activity (Dallol et al. 2012). Based on the available evidence, the p.Ile78Thr variant is classified as pathogenic for glucose-6-phosphate dehydrogenase deficiency.

Baylor Genetics
Classification: Pathogenic for Anemia, nonspherocytic hemolytic, due to G6PD deficiency. Last evaluated: 2020-07-27. Review status: criteria provided, single submitter. Criteria: ACMG Guidelines, 2015. Collection method: clinical testing. Allele origin: unknown. Affected: yes.
Comment: This variant was determined to be pathogenic according to ACMG Guidelines, 2015 [PMID:25741868].

Center for Pediatric Genomic Medicine, Children's Mercy Hospital and Clinics
Classification: Pathogenic. Last evaluated: 2015-01-23. Review status: criteria provided, single submitter. Criteria: ACMG Guidelines, 2015. Collection method: clinical testing. Allele origin: germline.

PreventionGenetics, part of Exact Sciences
Classification: Likely pathogenic for G6PD-related condition. Last evaluated: 2024-06-03. Review status: no assertion criteria provided. Collection method: clinical testing. Allele origin: germline. Not counted in ClinVar's aggregate classification.
Comment: The G6PD c.143T>C variant is predicted to result in the amino acid substitution p.Ile48Thr. This variant, also referred to as G6PD Aures, has been reported in multiple individuals with glucose-6-phosphate dehydrogenase deficiency (Nafa et al. 1993. PubMed ID: 8490627; Doss et al. 2016. PubMed ID: 27853304). This variant is reported in 0.014% of alleles in individuals of East Asian descent in gnomAD. This variant is interpreted as likely pathogenic.

Biochemical Molecular Genetic Laboratory, King Abdulaziz Medical City
Classification: Pathogenic for Anemia, nonspherocytic hemolytic, due to G6PD deficiency. Last evaluated: 2019-01-29. Review status: no assertion criteria provided. Collection method: clinical testing. Allele origin: germline. Affected: yes. Not counted in ClinVar's aggregate classification.

OMIM
Classification: other for G6PD AURES. Last evaluated: 2013-04-18. Review status: no assertion criteria provided. Collection method: literature only. Allele origin: germline. Not counted in ClinVar's aggregate classification.

Literature cited by the submitters: PubMed 8490627 (cited by 8 submitters); PubMed 16119988 (cited by 3 submitters); PubMed 22018328 (cited by 5 submitters); PubMed 22963789 (cited by 3 submitters); PubMed 23006493 (cited by 4 submitters); PubMed 7577654 (cited by New York Genome Center and Dunham Lab, University of Washington); PubMed 7959686 (cited by New York Genome Center and Dunham Lab, University of Washington); PubMed 18226470 (cited by New York Genome Center and Dunham Lab, University of Washington); PubMed 21931771 (cited by Mayo Clinic Laboratories, Mayo Clinic); PubMed 27853304 (cited by Mayo Clinic Laboratories, Mayo Clinic); DOI 10.3923/pjbs.2006.1605.1616 (cited by Dunham Lab, University of Washington); PubMed 33413378 (cited by Illumina Laboratory Services, Illumina); Niazi, G., Adeyokunu, A., Westwood, B., Beutler, E. G6PD Aures: a rare mutant of G6PD in Saudi Arabia: molecular and clinical presentations. Saudi Med. J. 17: 311-314, 1996. (cited by OMIM).